The following is an entry in ClinVar:

ClinVar aggregate classification (germline): Uncertain significance (1 of 4 stars; one submission).

Submission:

Ambry Genetics
Classification: Uncertain significance. Last evaluated: 2024-09-11. Review status: criteria provided, single submitter. Criteria: Ambry Variant Classification Scheme 2023. Collection method: clinical testing. Allele origin: germline.
Comment: The p.R426T variant (also known as c.1277G>C), located in coding exon 1 of the MLH3 gene, results from a G to C substitution at nucleotide position 1277. The arginine at codon 426 is replaced by threonine, an amino acid with similar properties. This amino acid position is not well conserved in available vertebrate species. In addition, this alteration is predicted to be tolerated by in silico analysis. The evidence for this gene-disease relationship is limited; therefore, the clinical significance of this alteration is unclear.

NM_001040108.2(MLH3):c.1277G>C (p.Arg426Thr)

Gene: MLH3 (mutL homolog 3; minus strand). Cytogenetic location: 14q24.3.
Variant type: single nucleotide variant.
Coding change: c.1277G>C on transcript NM_001040108.2 (MANE Select); coding-DNA position 1277, G replaced by C.
Protein change: p.Arg426Thr; replaces arginine 426 with threonine.
Molecular consequence: missense variant.
Genome position (GRCh38, 1-based): chr14:75,048,379, C>G on the plus strand (G>C on the coding strand, the complement: MLH3 is on the minus strand). VCF-style: chr14-75048379-C-G. GRCh37 (hg19) VCF-style: chr14-75515082-C-G.
Other names: c.1277G>C, p.Arg426Thr (NM_014381.3); short protein forms R426T.
Identifiers: ClinVar variation 3396665 (VCV003396665.1).